The following is an entry in ClinVar:

ClinVar aggregate classification (germline): Uncertain significance. Review status: criteria provided, multiple submitters, no conflicts (2 of 4 stars). 2 submissions from 2 submitters: Uncertain significance (2). Last evaluated 2023-04-02.

Conditions:
Alstrom syndrome (ALMS). Identifiers: Orphanet 64, MedGen C0268425, MONDO:0008763, OMIM 203800.

Allele frequency attached by ClinVar (database versions not stated): gnomAD 0.00001; TOPMed 0.00001.
gnomAD v4.1: 3 of 1,613,774 alleles (0.00019%); highest among the groups gnomAD compares: Non-Finnish European, 0.00025%; no homozygotes.

Submissions (2):

GeneDx
Classification: Uncertain significance. Last evaluated: 2023-04-02. Review status: criteria provided, single submitter. Criteria: GeneDx Variant Classification Process June 2021. Collection method: clinical testing. Allele origin: germline. Affected: yes.
Comment: Not observed at significant frequency in large population cohorts (gnomAD); In silico analysis supports that this missense variant does not alter protein structure/function; Has not been previously published as pathogenic or benign to our knowledge

Labcorp Genetics (formerly Invitae), Labcorp
Classification: Uncertain significance for Alstrom syndrome. Last evaluated: 2022-08-21. Review status: criteria provided, single submitter. Criteria: Invitae Variant Classification Sherloc (09022015). Collection method: clinical testing. Allele origin: germline.
Comment: In summary, the available evidence is currently insufficient to determine the role of this variant in disease. Therefore, it has been classified as a Variant of Uncertain Significance. Experimental studies and prediction algorithms are not available or were not evaluated, and the functional significance of this variant is currently unknown. This variant has not been reported in the literature in individuals affected with ALMS1-related conditions. This variant is not present in population databases (gnomAD no frequency). This sequence change replaces threonine, which is neutral and polar, with isoleucine, which is neutral and non-polar, at codon 747 of the ALMS1 protein (p.Thr747Ile).

NM_001378454.1(ALMS1):c.2237C>T (p.Thr746Ile)

Gene: ALMS1 (ALMS1 centrosome and basal body associated protein; plus strand). Cytogenetic location: 2p13.1.
Variant type: single nucleotide variant.
Coding change: c.2237C>T on transcript NM_001378454.1 (MANE Select); coding-DNA position 2237, C replaced by T.
Protein change: p.Thr746Ile; replaces threonine 746 with isoleucine.
Molecular consequence: missense variant.
Genome position (GRCh38, 1-based): chr2:73,448,764, C>T. VCF-style: chr2-73448764-C-T. GRCh37 (hg19) VCF-style: chr2-73675891-C-T.
Other names: c.2240C>T, p.Thr747Ile (NM_015120.4); short protein forms T746I, T747I.
Identifiers: ClinVar variation 2147197 (VCV002147197.4), dbSNP rs1313026459, ClinGen allele CA347267350.